The following is an entry in ClinVar:

NM_001164508.2(NEB):c.10347+6C>T

Gene: NEB (nebulin; minus strand). Cytogenetic location: 2q23.3.
Variant type: single nucleotide variant.
Coding change: c.10347+6C>T on transcript NM_001164508.2 (MANE Select); 6 bases into the intron after coding-DNA position 10347, C replaced by T.
Molecular consequence: intron variant.
Genome position (GRCh38, 1-based): chr2:151,626,996, G>A on the plus strand (C>T on the coding strand, the complement: NEB is on the minus strand). VCF-style: chr2-151626996-G-A. GRCh37 (hg19) VCF-style: chr2-152483510-G-A.
Other names: p.?; c.9618+6C>T (NM_004543.5); c.10347+6C>T (NM_001164507.2, NM_001271208.2).
Identifiers: ClinVar variation 257718 (VCV000257718.22), dbSNP rs141088433, ClinGen allele CA1909058.

ClinVar aggregate classification (germline): Benign. Review status: criteria provided, multiple submitters, no conflicts (2 of 4 stars). 10 submissions from 10 submitters: Benign (8). 2 of the submissions do not count toward it. Last evaluated 2026-02-04.

Conditions:
Nemaline myopathy 2 (NEM2). Also called: Nemaline myopathy 2, autosomal recessive. Identifiers: MedGen C1850569, MONDO:0009725, OMIM 256030.

Allele frequency attached by ClinVar (database versions not stated): gnomAD exomes 0.00242 and 0.00770; ESP Exome Variant Server 0.00684; ExAC 0.00766; gnomAD 0.00870 and 0.00890; TOPMed 0.01112; 1000 Genomes Project 30x 0.02061; 1000 Genomes Project 0.02097.
gnomAD v4.1: 5,073 of 1,613,470 alleles (0.31%); highest among the groups gnomAD compares: East Asian, 4.2%; 77 homozygotes.

Submissions (10):

Labcorp Genetics (formerly Invitae), Labcorp
Classification: Benign for Nemaline myopathy 2. Last evaluated: 2026-02-04. Review status: criteria provided, single submitter. Criteria: Invitae Variant Classification Sherloc (09022015). Collection method: clinical testing. Allele origin: germline.

Athena Diagnostics
Classification: Benign. Last evaluated: 2025-05-09. Review status: criteria provided, single submitter. Criteria: Athena Diagnostics Criteria. Collection method: clinical testing. Allele origin: unknown.
Comment: The frequency of this variant in the general population is higher than would generally be expected for pathogenic variants in this gene.

Mayo Clinic Laboratories, Mayo Clinic
Classification: Benign. Last evaluated: 2021-08-22. Review status: criteria provided, single submitter. Criteria: ACMG Guidelines, 2015. Collection method: clinical testing. Allele origin: germline. Observed: 5 variant alleles.

Illumina Laboratory Services, Illumina
Classification: Benign for Nemaline myopathy 2. Last evaluated: 2018-01-13. Review status: criteria provided, single submitter. Criteria: ICSL Variant Classification Criteria 13 December 2019. Collection method: clinical testing. Allele origin: germline.
Comment: This variant was observed in the ICSL laboratory as part of a predisposition screen in an ostensibly healthy population. It had not been previously curated by ICSL or reported in the Human Gene Mutation Database (HGMD: prior to June 1st, 2018), and was therefore a candidate for classification through an automated scoring system. Utilizing variant allele frequency, disease prevalence and penetrance estimates, and inheritance mode, an automated score was calculated to assess if this variant is too frequent to cause the disease. Based on the score and internal cut-off values, a variant classified as benign is not then subjected to further curation. The score for this variant resulted in a classification of benign for this disease.

Women's Health and Genetics/Laboratory Corporation of America, LabCorp
Classification: Benign. Last evaluated: 2017-04-24. Review status: criteria provided, single submitter. Criteria: LabCorp Variant Classification Summary - May 2015. Collection method: clinical testing. Allele origin: germline.
Comment: Variant summary: The NEB c.10347+6C>T variant involves the alteration of a non-conserved intronic nucleotide and 5/5 splice prediction tools predict no significant impact on normal splicing. However, these predictions have yet to be confirmed by functional studies. This variant was found in 925/120680 control chromosomes (19 homozygotes) at a frequency of 0.0076649, which is approximately 2 times the estimated maximal expected allele frequency of a pathogenic NEB variant (0.0035355), suggesting this variant is likely a benign polymorphism. The variant is more common in East Asian sub-population with allele frequency of 5.4% (464/8590 chromosomes). In addition, multiple clinical diagnostic laboratories/reputable databases classified this variant as benign. Therefore, the variant of interest has been classified as Benign.

GeneDx
Classification: Benign. Last evaluated: 2016-07-08. Review status: criteria provided, single submitter. Criteria: GeneDx Variant Classification (06012015). Collection method: clinical testing. Allele origin: germline. Affected: yes.
Comment: This variant is considered likely benign or benign based on one or more of the following criteria: it is a conservative change, it occurs at a poorly conserved position in the protein, it is predicted to be benign by multiple in silico algorithms, and/or has population frequency not consistent with disease.

Breakthrough Genomics
Classification: Benign. Review status: criteria provided, single submitter. Criteria: ACMG Guidelines, 2015. Collection method: not provided. Allele origin: germline. Inheritance: Autosomal recessive inheritance. Affected: yes.

PreventionGenetics, part of Exact Sciences
Classification: Benign. Review status: criteria provided, single submitter. Criteria: ACMG Guidelines, 2015. Collection method: clinical testing. Allele origin: germline.

Genome Diagnostics Laboratory, University Medical Center Utrecht
Classification: Benign. Review status: no assertion criteria provided. Collection method: clinical testing. Allele origin: germline. Affected: yes. Study: VKGL Data-share Consensus. Not counted in ClinVar's aggregate classification.

Laboratory of Diagnostic Genome Analysis, Leiden University Medical Center (LUMC)
Classification: Likely benign. Review status: no assertion criteria provided. Collection method: clinical testing. Allele origin: germline. Affected: yes. Study: VKGL Data-share Consensus. Not counted in ClinVar's aggregate classification.